The following is an entry in ClinVar:

ClinVar aggregate classification (germline): Uncertain significance. Review status: criteria provided, multiple submitters, no conflicts (2 of 4 stars). 2 submissions from 2 submitters: Uncertain significance (2). Last evaluated 2022-01-28.

Conditions:
Hyperekplexia 3 (HKPX3). Also called: HYPEREKPLEXIA 3, AUTOSOMAL RECESSIVE; HYPEREKPLEXIA 3, AUTOSOMAL DOMINANT. Identifiers: Orphanet 3197, MedGen C3553288, MONDO:0013827, OMIM 614618.

gnomAD v4.1: 3 of 1,614,130 alleles (0.00019%); highest among the groups gnomAD compares: Middle Eastern, 0.016%; no homozygotes.

Submissions (2):

Labcorp Genetics (formerly Invitae), Labcorp
Classification: Uncertain significance for Hyperekplexia 3. Last evaluated: 2022-01-28. Review status: criteria provided, single submitter. Criteria: Invitae Variant Classification Sherloc (09022015). Collection method: clinical testing. Allele origin: germline.
Comment: In summary, the available evidence is currently insufficient to determine the role of this variant in disease. Therefore, it has been classified as a Variant of Uncertain Significance. Advanced modeling of protein sequence and biophysical properties (such as structural, functional, and spatial information, amino acid conservation, physicochemical variation, residue mobility, and thermodynamic stability) performed at Invitae indicates that this missense variant is not expected to disrupt SLC6A5 protein function. ClinVar contains an entry for this variant (Variation ID: 424973). This variant has not been reported in the literature in individuals affected with SLC6A5-related conditions. This variant is not present in population databases (gnomAD no frequency). This sequence change replaces alanine, which is neutral and non-polar, with threonine, which is neutral and polar, at codon 284 of the SLC6A5 protein (p.Ala284Thr).

CeGaT Center for Human Genetics Tuebingen
Classification: Uncertain significance. Last evaluated: 2016-10-01. Review status: criteria provided, single submitter. Criteria: CeGaT Center For Human Genetics Tuebingen Variant Classification Criteria Version 2. Collection method: clinical testing. Allele origin: germline. Affected: yes. Observed: 1 variant allele.

NM_004211.5(SLC6A5):c.850G>A (p.Ala284Thr)

Gene: SLC6A5 (solute carrier family 6 member 5; plus strand). Cytogenetic location: 11p15.1.
Variant type: single nucleotide variant.
Coding change: c.850G>A on transcript NM_004211.5 (MANE Select); coding-DNA position 850, G replaced by A.
Protein change: p.Ala284Thr; replaces alanine 284 with threonine.
Molecular consequence: missense variant.
Genome position (GRCh38, 1-based): chr11:20,607,517, G>A. VCF-style: chr11-20607517-G-A. GRCh37 (hg19) VCF-style: chr11-20629063-G-A.
Other names: c.148G>A, p.Ala50Thr (NM_001318369.2); short protein forms A284T, A50T.
Identifiers: ClinVar variation 424973 (VCV000424973.45), dbSNP rs887898848, ClinGen allele CA16621617.
Genomic context (GRCh38, chr11:20,607,517, plus strand): 5'-CCTGGAATTTTTGCTTCTGCAGGCTGTGGCATCGCGATGCTGATCATCTCTGTCCTAATA[G>A]CCATATACTACAATGTGATTATTTGCTATACACTTTTCTACCTGTTTGCCTCCTTTGTGT-3'
Protein context (NP_004202.4, residues 274-294): IAMLIISVLI[Ala284Thr]IYYNVIICYT